The following is an entry in ClinVar:

ClinVar aggregate classification (germline): Uncertain significance (1 of 4 stars; one submission).

Conditions:
Developmental and epileptic encephalopathy 94 (DEE94). Also called: Epileptic encephalopathy, childhood-onset; CHD2-Related Neurodevelopmental Disorders. Identifiers: Orphanet 1942, Orphanet 2382, MedGen C3809278, MONDO:0014150, OMIM 615369.

Submission:

Labcorp Genetics (formerly Invitae), Labcorp
Classification: Uncertain significance for Developmental and epileptic encephalopathy 94. Last evaluated: 2024-02-24. Review status: criteria provided, single submitter. Criteria: Invitae Variant Classification Sherloc (09022015). Collection method: clinical testing. Allele origin: germline.
Comment: This sequence change replaces arginine, which is basic and polar, with isoleucine, which is neutral and non-polar, at codon 903 of the CHD2 protein (p.Arg903Ile). This variant is not present in population databases (gnomAD no frequency). This variant has not been reported in the literature in individuals affected with CHD2-related conditions. ClinVar contains an entry for this variant (Variation ID: 1506347). Advanced modeling of protein sequence and biophysical properties (such as structural, functional, and spatial information, amino acid conservation, physicochemical variation, residue mobility, and thermodynamic stability) performed at Invitae indicates that this missense variant is expected to disrupt CHD2 protein function with a positive predictive value of 95%. In summary, the available evidence is currently insufficient to determine the role of this variant in disease. Therefore, it has been classified as a Variant of Uncertain Significance.

NM_001271.4(CHD2):c.2708G>T (p.Arg903Ile)

Gene: CHD2 (chromodomain helicase DNA binding protein 2; plus strand). Cytogenetic location: 15q26.1.
Variant type: single nucleotide variant.
Coding change: c.2708G>T on transcript NM_001271.4 (MANE Select); coding-DNA position 2708, G replaced by T.
Protein change: p.Arg903Ile; replaces arginine 903 with isoleucine.
Molecular consequence: missense variant.
Genome position (GRCh38, 1-based): chr15:92,978,364, G>T. VCF-style: chr15-92978364-G-T. GRCh37 (hg19) VCF-style: chr15-93521594-G-T.
Other names: short protein forms R903I.
Identifiers: ClinVar variation 1506347 (VCV001506347.8), dbSNP rs2141843253, ClinGen allele CA393893939.